The following is an entry in ClinVar:

ClinVar aggregate classification (germline): Likely pathogenic (3 of 4 stars; one submission).

Conditions:
Open-angle glaucoma. Identifiers: MedGen C0017612, MONDO:0005338, HP:0012108.

Submission:

ClinGen Glaucoma Variant Curation Expert Panel
Classification: Likely pathogenic for Open-angle glaucoma. Last evaluated: 2026-02-18. Review status: reviewed by expert panel. Criteria: ClinGen Glaucoma ACMG Specifications V2.0.0 Approved. Collection method: curation. Allele origin: germline. Inheritance: Autosomal dominant inheritance.
Comment: The c.1130C>A variant in MYOC is a missense variant predicted to cause substitution of Threonine by Lysine at amino acid 377 (p.Thr377Lys). This variant was not found in any genetic ancestry group of gnomAD (v4.1.0), meeting the ≤ 0.0001 threshold set for PM2_Supporting in a genetic ancestry group of at least 10,000 alleles. The REVEL score = 0.908, which was within the 0.773-0.931 range for PP3_Moderate, predicting a damaging effect on MYOC function. There was no functional evidence predicting a damaging or benign impact of this variant on MYOC function. 5 segregations in 1 family, with juvenile open angle glaucoma (JOAG), have been reported (PMID: 11774072), which fulfilled PP1_Moderate (5-6 meioses). 2 probands with JOAG or POAG (primary open angle glaucoma) have been reported carrying this variant (PMIDs: 11774072, 31302906), which met PS4_Supporting (≥ 2 probands). PM5_Supporting could not be applied to this novel missense variant as although it did meet PP3, the Grantham score was lower (=78) than the score for the different missense change at the same amino acid residue determined to be pathogenic by the ClinGen Glaucoma VCEP (c.1130C>T, p.Thr377Met, Grantham score=81). In summary, this variant met the criteria to receive a score of 6 and to be classified as likely pathogenic (likely pathogenic classification range 6 to 9, adapted from PMID: 32720330) for juvenile open angle glaucoma based on the ACMG/AMP criteria met, as specified by the ClinGen Glaucoma VCEP (v2.0.0, 5 Dec 2024): PP1_Moderate, PP3_Moderate, PS4_Supporting, PM2_Supporting

NM_000261.2(MYOC):c.1130C>A (p.Thr377Lys)

Gene: MYOC (myocilin; minus strand). Cytogenetic location: 1q24.3.
Variant type: single nucleotide variant.
Coding change: c.1130C>A on transcript NM_000261.2 (MANE Select); coding-DNA position 1130, C replaced by A.
Protein change: p.Thr377Lys; replaces threonine 377 with lysine.
Molecular consequence: missense variant.
Genome position (GRCh38, 1-based): chr1:171,636,310, G>T on the plus strand (C>A on the coding strand, the complement: MYOC is on the minus strand). VCF-style: chr1-171636310-G-T. GRCh37 (hg19) VCF-style: chr1-171605450-G-T.
Other names: NM_000261.2:c.1130C>A; short protein forms T377K.
Identifiers: ClinVar variation 2500837 (VCV002500837.2), dbSNP rs566289099, ClinGen allele CA343724606.